The following is an entry in ClinVar:

ClinVar aggregate classification (germline): Uncertain significance. Review status: criteria provided, multiple submitters, no conflicts (2 of 4 stars). 2 submissions from 2 submitters: Uncertain significance (2). Last evaluated 2022-08-23.

Conditions:
Hypertrophic cardiomyopathy. Also called: HYPERTROPHIC MYOCARDIOPATHY. Identifiers: Orphanet 217569, MedGen C0007194, MeSH D002312, MONDO:0005045, HP:0001639.

gnomAD v4.1: 4 of 1,614,088 alleles (0.00025%); highest among the groups gnomAD compares: Admixed American, 0.005%; no homozygotes.

Submissions (2):

Labcorp Genetics (formerly Invitae), Labcorp
Classification: Uncertain significance for Hypertrophic cardiomyopathy. Last evaluated: 2022-08-23. Review status: criteria provided, single submitter. Criteria: Invitae Variant Classification Sherloc (09022015). Collection method: clinical testing. Allele origin: germline.
Comment: In summary, the available evidence is currently insufficient to determine the role of this variant in disease. Therefore, it has been classified as a Variant of Uncertain Significance. Algorithms developed to predict the effect of missense changes on protein structure and function are either unavailable or do not agree on the potential impact of this missense change (SIFT: "Deleterious"; PolyPhen-2: "Possibly Damaging"; Align-GVGD: "Class C0"). ClinVar contains an entry for this variant (Variation ID: 1318878). This variant has not been reported in the literature in individuals affected with MYH7-related conditions. This variant is present in population databases (no rsID available, gnomAD 0.009%). This sequence change replaces arginine, which is basic and polar, with serine, which is neutral and polar, at codon 1634 of the MYH7 protein (p.Arg1634Ser).

GeneDx
Classification: Uncertain significance. Last evaluated: 2021-03-08. Review status: criteria provided, single submitter. Criteria: GeneDx Variant Classification Process June 2021. Collection method: clinical testing. Allele origin: germline. Affected: yes.
Comment: Has not been previously published as pathogenic or benign to our knowledge; Not observed at a significant frequency in large population cohorts (Lek et al., 2016); In silico analysis supports that this missense variant has a deleterious effect on protein structure/function; This variant is associated with the following publications: (PMID: 15769782)

NM_000257.4(MYH7):c.4900C>A (p.Arg1634Ser)

Genes: MHRT (myosin heavy chain associated RNA transcript; plus strand), MYH7 (myosin heavy chain 7; minus strand), LOC126861897 (BRD4-independent group 4 enhancer GRCh37_chr14:23884455-23885654; plus strand). Cytogenetic location: 14q11.2.
Variant type: single nucleotide variant.
Coding change: c.4900C>A on transcript NM_000257.4 (MANE Select); coding-DNA position 4900, C replaced by A.
Protein change: p.Arg1634Ser; replaces arginine 1634 with serine.
Molecular consequence: missense variant. On other transcripts: non-coding transcript variant (1).
Genome position (GRCh38, 1-based): chr14:23,416,057, G>T on the plus strand (C>A on the coding strand, the complement: MYH7 is on the minus strand). VCF-style: chr14-23416057-G-T. GRCh37 (hg19) VCF-style: chr14-23885266-G-T.
Other names: short protein forms R1634S.
Identifiers: ClinVar variation 1318878 (VCV001318878.9), dbSNP rs397516232, ClinGen allele CA389037393.